The following is an entry in ClinVar:

NM_001367624.2(ZNF469):c.10488C>A (p.Ser3496Arg)

Gene: ZNF469 (zinc finger protein 469; plus strand). Cytogenetic location: 16q24.2.
Variant type: single nucleotide variant.
Coding change: c.10488C>A on transcript NM_001367624.2 (MANE Select); coding-DNA position 10488, C replaced by A.
Protein change: p.Ser3496Arg; replaces serine 3496 with arginine.
Molecular consequence: missense variant.
Genome position (GRCh38, 1-based): chr16:88,437,958, C>A. VCF-style: chr16-88437958-C-A. GRCh37 (hg19) VCF-style: chr16-88504366-C-A.
Other names: short protein forms S3496R.
Identifiers: ClinVar variation 4687675 (VCV004687675.1).

ClinVar aggregate classification (germline): Uncertain significance (1 of 4 stars; one submission).

Submission:

Women's Health and Genetics/Laboratory Corporation of America, LabCorp
Classification: Uncertain significance. Last evaluated: 2025-10-28. Review status: criteria provided, single submitter. Criteria: LabCorp Variant Classification Summary - May 2015. Collection method: clinical testing. Allele origin: germline.
Comment: Variant summary: ZNF469 c.10488C>A (p.Ser3496Arg) results in a non-conservative amino acid change in the encoded protein sequence. Algorithms developed to predict the effect of missense changes on protein structure and function are either unavailable or do not agree on the potential impact of this missense change. The variant was absent in 146140 control chromosomes. The available data on variant occurrences in the general population are insufficient to allow any conclusion about variant significance. To our knowledge, no occurrence of c.10488C>A in individuals affected with ZNF469-related conditions and no experimental evidence demonstrating its impact on protein function have been reported. No submitters have cited clinical-significance assessments for this variant to ClinVar. Based on the evidence outlined above, the variant was classified as uncertain significance.